The following is an entry in ClinVar:

ClinVar aggregate classification (germline): Uncertain significance. Review status: criteria provided, multiple submitters, no conflicts (2 of 4 stars). 2 submissions from 2 submitters: Uncertain significance (2). Last evaluated 2024-12-22.

Conditions:
Brugada syndrome. Also called: Sudden unexplained nocturnal death syndrome; Sudden unexpected nocturnal death syndrome; Sudden Unexplained Death Syndrome; Sudden Unexplained Nocturnal Death Syndrome (SUNDS). Identifiers: Orphanet 130, MedGen C1142166, MONDO:0015263.

Allele frequency attached by ClinVar (database versions not stated): gnomAD exomes below 0.00001 and 0.00002; TOPMed 0.00001; gnomAD 0.00003.
gnomAD v4.1: 34 of 1,613,784 alleles (0.0021%); highest among the groups gnomAD compares: African/African-American, 0.0027%; no homozygotes.

Submissions (2):

Ambry Genetics
Classification: Uncertain significance. Last evaluated: 2024-12-22. Review status: criteria provided, single submitter. Criteria: Ambry Variant Classification Scheme 2023. Collection method: clinical testing. Allele origin: germline.

Labcorp Genetics (formerly Invitae), Labcorp
Classification: Uncertain significance for Brugada syndrome. Last evaluated: 2022-07-26. Review status: criteria provided, single submitter. Criteria: Invitae Variant Classification Sherloc (09022015). Collection method: clinical testing. Allele origin: germline.
Comment: This sequence change replaces lysine, which is basic and polar, with glutamic acid, which is acidic and polar, at codon 549 of the SLMAP protein (p.Lys549Glu). In summary, the available evidence is currently insufficient to determine the role of this variant in disease. Therefore, it has been classified as a Variant of Uncertain Significance. Algorithms developed to predict the effect of missense changes on protein structure and function are either unavailable or do not agree on the potential impact of this missense change (SIFT: "Tolerated"; PolyPhen-2: "Possibly Damaging"; Align-GVGD: "Class C0"). ClinVar contains an entry for this variant (Variation ID: 1512801). This variant has not been reported in the literature in individuals affected with SLMAP-related conditions. This variant is present in population databases (no rsID available, gnomAD 0.004%).

NM_001377540.1(SLMAP):c.1747A>G (p.Lys583Glu)

Gene: SLMAP (sarcolemma associated protein; plus strand). Cytogenetic location: 3p14.3.
Variant type: single nucleotide variant.
Coding change: c.1747A>G on transcript NM_001377540.1 (MANE Select); coding-DNA position 1747, A replaced by G.
Protein change: p.Lys583Glu; replaces lysine 583 with glutamic acid.
Molecular consequence: missense variant. On other transcripts: non-coding transcript variant (1).
Genome position (GRCh38, 1-based): chr3:57,912,428, A>G. VCF-style: chr3-57912428-A-G. GRCh37 (hg19) VCF-style: chr3-57898155-A-G.
Other names: c.1573A>G, p.Lys525Glu (NM_001377562.1, NM_001377921.1); c.1561A>G, p.Lys521Glu (NM_001377922.1); c.1522A>G, p.Lys508Glu (NM_001377923.1); c.1510A>G, p.Lys504Glu (NM_001377924.1); c.1459A>G, p.Lys487Glu (NM_001377925.1); c.175A>G, p.Lys59Glu (NM_001377926.1, NM_001377927.1, NM_001377928.1 and 1 more transcripts); c.1645A>G, p.Lys549Glu (NM_007159.5, NM_001377549.1); c.1696A>G, p.Lys566Glu (NM_001304420.3, NM_001377541.1, NM_001377542.1); and 9 more; short protein forms K504E, K545E, K59E, K508E, K528E, K583E, K100E, K34E.
Identifiers: ClinVar variation 1512801 (VCV001512801.7), dbSNP rs1260232243, ClinGen allele CA353408218.